The following is an entry in ClinVar:

ClinVar aggregate classification (germline): Benign (1 of 4 stars; one submission).

Allele frequency attached by ClinVar (database versions not stated): 1000 Genomes Project 0.03315; 1000 Genomes Project 30x 0.03404; TOPMed 0.05774; gnomAD 0.05867 and 0.05990.
gnomAD v4.1: 8,972 of 152,148 alleles (5.9%); highest among the groups gnomAD compares: Non-Finnish European, 9.4%; 367 homozygotes.

Submission:

GeneDx
Classification: Benign. Last evaluated: 2018-06-16. Review status: criteria provided, single submitter. Criteria: GeneDx Variant Classification (06012015). Collection method: clinical testing. Allele origin: germline. Affected: yes.
Comment: This variant is considered likely benign or benign based on one or more of the following criteria: it is a conservative change, it occurs at a poorly conserved position in the protein, it is predicted to be benign by multiple in silico algorithms, and/or has population frequency not consistent with disease.

NM_000069.3(CACNA1S):c.1004+205A>G

Gene: CACNA1S (calcium voltage-gated channel subunit alpha1 S; minus strand). Cytogenetic location: 1q32.1.
Variant type: single nucleotide variant.
Coding change: c.1004+205A>G on transcript NM_000069.3 (MANE Select); 205 bases into the intron after coding-DNA position 1004, A replaced by G.
Molecular consequence: intron variant.
Genome position (GRCh38, 1-based): chr1:201,087,621, T>C on the plus strand (A>G on the coding strand, the complement: CACNA1S is on the minus strand). VCF-style: chr1-201087621-T-C. GRCh37 (hg19) VCF-style: chr1-201056749-T-C.
Identifiers: ClinVar variation 681353 (VCV000681353.1), dbSNP rs72749197, ClinGen allele CA10697331.